The following is an entry in ClinVar:

ClinVar aggregate classification (germline): Likely pathogenic (1 of 4 stars; one submission).

Conditions:
Chopra-Amiel-Gordon syndrome (CAGS). Also called: ANKRD17-Related Neurodevelopmental Syndrome. Identifiers: MedGen C5561975, MONDO:0859186, OMIM 619504.

Submission:

SIB Swiss Institute of Bioinformatics
Classification: Likely pathogenic for Chopra-Amiel-Gordon syndrome. Last evaluated: 2022-03-01. Review status: criteria provided, single submitter. Criteria: ACMG Guidelines, 2015. Collection method: curation. Allele origin: unknown.
Comment: This variant is interpreted as a likely pathogenic for Chopra-Amiel-Gordon syndrome, autosomal dominant. The following ACMG Tag(s) were applied: Absent from controls (or at extremely low frequency if recessive) in Exome Sequencing Project, 1000 Genomes Project, or Exome Aggregation Consortium (PM2); De novo (paternity and maternity confirmed) (PS2); Multiple lines of computational evidence support a deleterious effect on the gene or gene product (PP3); Missense variant in a gene that has a low rate of benign missense variation and in which missense variants are a common mechanism of disease (PP2).

Literature cited by the submitters: PubMed 33909992.

NM_032217.5(ANKRD17):c.5638T>C (p.Ser1880Pro)

Gene: ANKRD17 (ankyrin repeat domain 17; minus strand). Cytogenetic location: 4q13.3.
Variant type: single nucleotide variant.
Coding change: c.5638T>C on transcript NM_032217.5 (MANE Select); coding-DNA position 5638, T replaced by C.
Protein change: p.Ser1880Pro; replaces serine 1880 with proline.
Molecular consequence: missense variant.
Genome position (GRCh38, 1-based): chr4:73,091,990, A>G on the plus strand (T>C on the coding strand, the complement: ANKRD17 is on the minus strand). VCF-style: chr4-73091990-A-G. GRCh37 (hg19) VCF-style: chr4-73957707-A-G.
Other names: c.5299T>C, p.Ser1767Pro (NM_001286771.3); c.5635T>C, p.Ser1879Pro (NM_015574.2); c.4885T>C, p.Ser1629Pro (NM_198889.3); short protein forms S1629P, S1767P, S1879P, S1880P.
Identifiers: ClinVar variation 1342983 (VCV001342983.1), dbSNP rs2110165980, ClinGen allele CA357217134.